The following is an entry in ClinVar:

NM_000264.5(PTCH1):c.260T>C (p.Leu87Ser)

Gene: PTCH1 (patched 1; minus strand). Cytogenetic location: 9q22.32.
Variant type: single nucleotide variant.
Coding change: c.260T>C on transcript NM_000264.5 (MANE Select); coding-DNA position 260, T replaced by C.
Protein change: p.Leu87Ser; replaces leucine 87 with serine.
Molecular consequence: missense variant. On other transcripts: 5 prime UTR variant (4), non-coding transcript variant (1).
Genome position (GRCh38, 1-based): chr9:95,506,541, A>G on the plus strand (T>C on the coding strand, the complement: PTCH1 is on the minus strand). VCF-style: chr9-95506541-A-G. GRCh37 (hg19) VCF-style: chr9-98268823-A-G.
Other names: c.62T>C, p.Leu21Ser (NM_001083602.3, NM_001354919.2); c.257T>C, p.Leu86Ser (NM_001083603.3); c.-194T>C (NM_001083604.3, NM_001083605.3, NM_001083606.3 and 1 more transcripts); c.260T>C, p.Leu87Ser (NM_001354918.2); short protein forms L21S, L87S, L86S.
Identifiers: ClinVar variation 4842297 (VCV004842297.2).

ClinVar aggregate classification (germline): Uncertain significance (1 of 4 stars; one submission).

Conditions:
Hereditary cancer-predisposing syndrome. Also called: Hereditary neoplastic syndrome; Neoplastic Syndromes, Hereditary; Tumor predisposition; Hereditary Cancer Syndrome. Identifiers: Orphanet 140162, MedGen C0027672, MeSH D009386, MONDO:0015356.

Submission:

Ambry Genetics
Classification: Uncertain significance for Hereditary cancer-predisposing syndrome. Last evaluated: 2026-05-08. Review status: criteria provided, single submitter. Criteria: Ambry Variant Classification Scheme 2023. Collection method: clinical testing. Allele origin: germline.
Comment: The p.L87S variant (also known as c.260T>C), located in coding exon 2 of the PTCH1 gene, results from a T to C substitution at nucleotide position 260. The leucine at codon 87 is replaced by serine, an amino acid with dissimilar properties. This amino acid position is conserved. In addition, this alteration is predicted to be deleterious by in silico analysis. Based on the available evidence, the clinical significance of this variant remains unclear.